The following is an entry in ClinVar:

NM_001077653.2(TBX20):c.877A>G (p.Thr293Ala)

Gene: TBX20 (T-box transcription factor 20; minus strand). Cytogenetic location: 7p14.2.
Variant type: single nucleotide variant.
Coding change: c.877A>G on transcript NM_001077653.2 (MANE Select); coding-DNA position 877, A replaced by G.
Protein change: p.Thr293Ala; replaces threonine 293 with alanine.
Molecular consequence: missense variant.
Genome position (GRCh38, 1-based): chr7:35,231,517, T>C on the plus strand (A>G on the coding strand, the complement: TBX20 is on the minus strand). VCF-style: chr7-35231517-T-C. GRCh37 (hg19) VCF-style: chr7-35271129-T-C.
Other names: c.877A>G, p.Thr293Ala (NM_001166220.1); short protein forms T293A.
Identifiers: ClinVar variation 4615074 (VCV004615074.2).
Genomic context (GRCh38, chr7:35,231,517, plus strand): 5'-CTCTTGATCTTATCTGAACAAGAAAGTAAACAGAAAATTCTCATTACCTCTCAATGTCAG[T>C]GAGCCTGGAGGAATCCCGGAATCCTTTGGCAAAAGGATTGCTATCTATTTTCAGCTTCGT-3'
Protein context (NP_001071121.1, residues 283-303): AKGFRDSSRL[Thr293Ala]DIERESVESL

ClinVar aggregate classification (germline): Uncertain significance. Review status: criteria provided, multiple submitters, no conflicts (2 of 4 stars). 2 submissions from 2 submitters: Uncertain significance (2). Last evaluated 2025-10-17.

Conditions:
Cardiovascular phenotype. Identifiers: MedGen CN230736.

Submissions (2):

Ambry Genetics
Classification: Uncertain significance for Cardiovascular phenotype. Last evaluated: 2025-10-17. Review status: criteria provided, single submitter. Criteria: Ambry Variant Classification Scheme 2023. Collection method: clinical testing. Allele origin: germline.

Labcorp Genetics (formerly Invitae), Labcorp
Classification: Uncertain significance. Last evaluated: 2025-05-23. Review status: criteria provided, single submitter. Criteria: Invitae Variant Classification Sherloc (09022015). Collection method: clinical testing. Allele origin: germline.
Comment: This sequence change replaces threonine, which is neutral and polar, with alanine, which is neutral and non-polar, at codon 293 of the TBX20 protein (p.Thr293Ala). This variant is not present in population databases (gnomAD no frequency). This missense change has been observed in individual(s) with dilated cardiomyopathy (internal data). Invitae Evidence Modeling of protein sequence and biophysical properties (such as structural, functional, and spatial information, amino acid conservation, physicochemical variation, residue mobility, and thermodynamic stability) indicates that this missense variant is not expected to disrupt TBX20 protein function with a negative predictive value of 80%. In summary, the available evidence is currently insufficient to determine the role of this variant in disease. Therefore, it has been classified as a Variant of Uncertain Significance.